The following is an entry in ClinVar:

NM_012208.4(HARS2):c.497A>G (p.Gln166Arg)

Gene: HARS2 (histidyl-tRNA synthetase 2, mitochondrial; plus strand). Cytogenetic location: 5q31.3.
Variant type: single nucleotide variant.
Coding change: c.497A>G on transcript NM_012208.4 (MANE Select); coding-DNA position 497, A replaced by G.
Protein change: p.Gln166Arg; replaces glutamine 166 with arginine.
Molecular consequence: missense variant. On other transcripts: intron variant (1).
Genome position (GRCh38, 1-based): chr5:140,695,605, A>G. VCF-style: chr5-140695605-A-G. GRCh37 (hg19) VCF-style: chr5-140075190-A-G.
Other names: c.515A>G, p.Gln172Arg (NM_001363535.2); c.287A>G, p.Gln96Arg (NM_001363536.2); c.94-133A>G (NM_001278732.2); c.422A>G, p.Gln141Arg (NM_001278731.2); short protein forms Q141R, Q166R, Q96R, Q172R.
Identifiers: ClinVar variation 1438891 (VCV001438891.6), dbSNP rs2149854254, ClinGen allele CA361197645.

ClinVar aggregate classification (germline): Uncertain significance (1 of 4 stars; one submission).

Submission:

Labcorp Genetics (formerly Invitae), Labcorp
Classification: Uncertain significance. Last evaluated: 2021-11-28. Review status: criteria provided, single submitter. Criteria: Invitae Variant Classification Sherloc (09022015). Collection method: clinical testing. Allele origin: germline.
Comment: This sequence change replaces glutamine, which is neutral and polar, with arginine, which is basic and polar, at codon 166 of the HARS2 protein (p.Gln166Arg). This variant is not present in population databases (gnomAD no frequency). This variant has not been reported in the literature in individuals affected with HARS2-related conditions. Algorithms developed to predict the effect of missense changes on protein structure and function (SIFT, PolyPhen-2, Align-GVGD) all suggest that this variant is likely to be tolerated. In summary, the available evidence is currently insufficient to determine the role of this variant in disease. Therefore, it has been classified as a Variant of Uncertain Significance.